The following is an entry in ClinVar:

ClinVar aggregate classification (germline): Uncertain significance. Review status: criteria provided, single submitter (1 of 4 stars). 2 submissions from 1 submitter: Uncertain significance (2). Last evaluated 2026-04-17.

Conditions:
Palmoplantar keratodermas.
Ichthyosis and erythrokeratoderma.

gnomAD v4.1: 4 of 1,543,460 alleles (0.00026%); highest among the groups gnomAD compares: Non-Finnish European, 0.00026%; no homozygotes.

Submissions (2):

Genetics Laboratory, Great Ormond Street Hospital NHS Foundation Trust, North Thames Genomic Laboratory Hub
Classification: Uncertain significance for Ichthyosis and erythrokeratoderma. Last evaluated: 2026-04-17. Review status: criteria provided, single submitter. Criteria: ACGS Best Practice Guidelines for Variant Classification in Rare Disease 2024 v1.2. Collection method: clinical testing. Allele origin: germline. Affected: yes.
Comment: PM2_moderate, PP3_supporting, PM3_supporting

Genetics Laboratory, Great Ormond Street Hospital NHS Foundation Trust, North Thames Genomic Laboratory Hub
Classification: Uncertain significance for Palmoplantar keratodermas. Last evaluated: 2026-04-17. Review status: criteria provided, single submitter. Criteria: ACGS Best Practice Guidelines for Variant Classification in Rare Disease 2024 v1.2. Collection method: clinical testing. Allele origin: germline. Affected: yes.
Comment: the same text as in the submission from Genetics Laboratory, Great Ormond Street Hospital NHS Foundation Trust, North Thames Genomic Laboratory Hub above.

NM_001099287.2(NIPAL4):c.37+5G>A

Gene: NIPAL4 (NIPA like domain containing 4; plus strand). Cytogenetic location: 5q33.3.
Variant type: single nucleotide variant.
Coding change: c.37+5G>A on transcript NM_001099287.2 (MANE Select); 5 bases into the intron after coding-DNA position 37, G replaced by A.
Molecular consequence: intron variant.
Genome position (GRCh38, 1-based): chr5:157,460,362, G>A. VCF-style: chr5-157460362-G-A. GRCh37 (hg19) VCF-style: chr5-156887370-G-A.
Other names: c.37+5G>A (NM_001172292.2).
Identifiers: ClinVar variation 4856644 (VCV004856644.1).